The following is an entry in ClinVar:

NM_001282116.2(RFX3):c.1500G>T (p.Thr500=)

Gene: RFX3 (regulatory factor X3; minus strand). Cytogenetic location: 9p24.2.
Variant type: single nucleotide variant.
Coding change: c.1500G>T on transcript NM_001282116.2 (MANE Select); coding-DNA position 1500, G replaced by T.
Protein change: p.Thr500=; no amino-acid change (threonine 500 retained).
Molecular consequence: synonymous variant.
Genome position (GRCh38, 1-based): chr9:3,263,040, C>A on the plus strand (G>T on the coding strand, the complement: RFX3 is on the minus strand). VCF-style: chr9-3263040-C-A. GRCh37 (hg19) VCF-style: chr9-3263040-C-A.
Other names: c.1500G>T, p.Thr500= (NM_001377999.1, NM_002919.4, NM_134428.3).
Identifiers: ClinVar variation 4822885 (VCV004822885.4).

ClinVar aggregate classification (germline): Likely benign (1 of 4 stars; one submission).

gnomAD v4.1: 1 of 1,613,790 alleles (0.000062%); highest among the groups gnomAD compares: Middle Eastern, 0.017%; no homozygotes.

Submission:

CeGaT Center for Human Genetics Tuebingen
Classification: Likely benign. Last evaluated: 2026-01-01. Review status: criteria provided, single submitter. Criteria: CeGaT Center For Human Genetics Tuebingen Variant Classification Criteria Version 2. Collection method: clinical testing. Allele origin: germline. Affected: yes. Observed: 1 variant allele.
Comment: RFX3: BP4, BP7